The following is an entry in ClinVar:

ClinVar aggregate classification (germline): Uncertain significance (1 of 4 stars; one submission).

Conditions:
Rubinstein-Taybi syndrome (RSTS). Identifiers: Orphanet 783, MedGen C0035934, MONDO:0019188.

Allele frequency attached by ClinVar (database versions not stated): gnomAD exomes below 0.00001.
gnomAD v4.1: 2 of 1,613,624 alleles (0.00012%); highest among the groups gnomAD compares: Non-Finnish European, 0.00017%; no homozygotes.

Submission:

Labcorp Genetics (formerly Invitae), Labcorp
Classification: Uncertain significance for Rubinstein-Taybi syndrome. Last evaluated: 2022-06-22. Review status: criteria provided, single submitter. Criteria: Invitae Variant Classification Sherloc (09022015). Collection method: clinical testing. Allele origin: germline.
Comment: Advanced modeling of protein sequence and biophysical properties (such as structural, functional, and spatial information, amino acid conservation, physicochemical variation, residue mobility, and thermodynamic stability) performed at Invitae indicates that this missense variant is not expected to disrupt CREBBP protein function. In summary, the available evidence is currently insufficient to determine the role of this variant in disease. Therefore, it has been classified as a Variant of Uncertain Significance. This variant has not been reported in the literature in individuals affected with CREBBP-related conditions. This variant is not present in population databases (gnomAD no frequency). This sequence change replaces asparagine, which is neutral and polar, with serine, which is neutral and polar, at codon 1876 of the CREBBP protein (p.Asn1876Ser).

NM_004380.3(CREBBP):c.5627A>G (p.Asn1876Ser)

Gene: CREBBP (CREB binding lysine acetyltransferase; minus strand). Cytogenetic location: 16p13.3.
Variant type: single nucleotide variant.
Coding change: c.5627A>G on transcript NM_004380.3 (MANE Select); coding-DNA position 5627, A replaced by G.
Protein change: p.Asn1876Ser; replaces asparagine 1876 with serine.
Molecular consequence: missense variant.
Genome position (GRCh38, 1-based): chr16:3,729,420, T>C on the plus strand (A>G on the coding strand, the complement: CREBBP is on the minus strand). VCF-style: chr16-3729420-T-C. GRCh37 (hg19) VCF-style: chr16-3779421-T-C.
Other names: c.5513A>G, p.Asn1838Ser (NM_001079846.1); short protein forms N1876S, N1838S.
Identifiers: ClinVar variation 2008507 (VCV002008507.4), dbSNP rs2548349588, ClinGen allele CA394555871.
Genomic context (GRCh38, chr16:3,729,420, plus strand): 5'-TGCTGTGTGGGGGTCCCGGGCGGTGCTGAGGTAGGAGAAGGCAGACTCTGCTGAGGCACG[T>C]TGCGGGTGTTCATGGTGGCCATCCGCCGGCGCATGAGCTGGGCCTGCTGCAGGCGGTGCT-3'
Protein context (NP_004371.2, residues 1866-1886): RRRMATMNTR[Asn1876Ser]VPQQSLPSPT